The following is an entry in ClinVar:

ClinVar aggregate classification (germline): Pathogenic (1 of 4 stars; one submission).

Submission:

Labcorp Genetics (formerly Invitae), Labcorp
Classification: Pathogenic. Last evaluated: 2023-05-13. Review status: criteria provided, single submitter. Criteria: Invitae Variant Classification Sherloc (09022015). Collection method: clinical testing. Allele origin: unknown.
Comment: This variant is a gross deletion of the genomic region encompassing exon(s) 6-7 of the RUNX2 gene. This variant would be expected to be in-frame, preserving the integrity of the reading frame. For these reasons, this variant has been classified as Pathogenic. The region of the RUNX2 gene that includes exon(s) 7 has been determined to be clinically significant (PMID: 20648631). Therefore, deletions that encompass that region are likely to be disease-causing. This variant has not been reported in the literature in individuals affected with RUNX2-related conditions.

Literature cited by the submitters: PubMed 20648631.

NC_000006.11:g.(?_45459658)_(45480164_?)del

Gene: RUNX2 (RUNX family transcription factor 2; plus strand). Cytogenetic location: 6p21.1.
Variant type: Deletion.
Identifiers: ClinVar variation 3246085 (VCV003246085.1).